The following is an entry in ClinVar:

ClinVar aggregate classification (germline): Uncertain significance. Review status: criteria provided, multiple submitters, no conflicts (2 of 4 stars). 2 submissions from 2 submitters: Uncertain significance (2). Last evaluated 2023-11-21.

Conditions:
Cardiovascular phenotype. Identifiers: MedGen CN230736.

Allele frequency attached by ClinVar (database versions not stated): gnomAD 0.00003.
gnomAD v4.1: 13 of 1,507,340 alleles (0.00086%); highest among the groups gnomAD compares: Admixed American, 0.017%; no homozygotes.

Submissions (2):

Ambry Genetics
Classification: Uncertain significance for Cardiovascular phenotype. Last evaluated: 2023-11-21. Review status: criteria provided, single submitter. Criteria: Ambry Variant Classification Scheme 2023. Collection method: clinical testing. Allele origin: germline.

Labcorp Genetics (formerly Invitae), Labcorp
Classification: Uncertain significance. Last evaluated: 2022-03-28. Review status: criteria provided, single submitter. Criteria: Invitae Variant Classification Sherloc (09022015). Collection method: clinical testing. Allele origin: germline.
Comment: This sequence change replaces alanine, which is neutral and non-polar, with serine, which is neutral and polar, at codon 1067 of the ZNF469 protein (p.Ala1067Ser). The frequency data for this variant in the population databases is considered unreliable, as metrics indicate poor data quality at this position in the gnomAD database. This variant has not been reported in the literature in individuals affected with ZNF469-related conditions. Algorithms developed to predict the effect of missense changes on protein structure and function are either unavailable or do not agree on the potential impact of this missense change (SIFT: "Tolerated"; PolyPhen-2: "Possibly Damaging"; Align-GVGD: "Class C0"). In summary, the available evidence is currently insufficient to determine the role of this variant in disease. Therefore, it has been classified as a Variant of Uncertain Significance.

NM_001367624.2(ZNF469):c.3283G>T (p.Ala1095Ser)

Genes: ZNF469 (zinc finger protein 469; plus strand), LOC130059718 (ATAC-STARR-seq lymphoblastoid silent region 7847; plus strand). Cytogenetic location: 16q24.2.
Variant type: single nucleotide variant.
Coding change: c.3283G>T on transcript NM_001367624.2 (MANE Select); coding-DNA position 3283, G replaced by T.
Protein change: p.Ala1095Ser; replaces alanine 1095 with serine.
Molecular consequence: missense variant.
Genome position (GRCh38, 1-based): chr16:88,430,753, G>T. VCF-style: chr16-88430753-G-T. GRCh37 (hg19) VCF-style: chr16-88497161-G-T.
Other names: NM_001127464.1:c.3199G>T; short protein forms A1095S.
Identifiers: ClinVar variation 2064578 (VCV002064578.2), dbSNP rs933945553, ClinGen allele CA286374704.
Genomic context (GRCh38, chr16:88,430,753, plus strand): 5'-CTGGCGGCGGGGAGGCCCCGGCCCGGAGCTGAGGACCGCAGGCTCCGCGAGTACGACTTC[G>T]CCTCGGAGTCCGAGGAGGACGAGCAGCCTCCGCCGCGGGGCCCCGGCTTCAGAGGCCGGC-3'
Protein context (NP_001354553.1, residues 1085-1105): EDRRLREYDF[Ala1095Ser]SESEEDEQPP